The following is an entry in ClinVar:

NM_014956.5(CEP164):c.2844+8A>G

Gene: CEP164 (centrosomal protein 164; plus strand). Cytogenetic location: 11q23.3.
Variant type: single nucleotide variant.
Coding change: c.2844+8A>G on transcript NM_014956.5 (MANE Select); 8 bases into the intron after coding-DNA position 2844, A replaced by G.
Molecular consequence: intron variant.
Genome position (GRCh38, 1-based): chr11:117,395,011, A>G. VCF-style: chr11-117395011-A-G. GRCh37 (hg19) VCF-style: chr11-117265727-A-G.
Other names: c.2853+8A>G (NM_001271933.2).
Identifiers: ClinVar variation 473081 (VCV000473081.16), dbSNP rs142545580, ClinGen allele CA6295228.

ClinVar aggregate classification (germline): Likely benign. Review status: criteria provided, multiple submitters, no conflicts (2 of 4 stars). 5 submissions from 5 submitters: Likely benign (4). 1 of the submissions does not count toward it. Last evaluated 2026-01-27.

Conditions:
Nephronophthisis 15 (NPHP15). Identifiers: Orphanet 3156, MedGen C3541853, MONDO:0013917, OMIM 614845.
CEP164-related disorder. Also called: CEP164-related condition.

Allele frequency attached by ClinVar (database versions not stated): gnomAD exomes 0.00005 and 0.00013; ExAC 0.00013; gnomAD 0.00048 and 0.00052; ESP Exome Variant Server 0.00054; TOPMed 0.00058; 1000 Genomes Project 0.00060; 1000 Genomes Project 30x 0.00062.
gnomAD v4.1: 154 of 1,614,028 alleles (0.0095%); highest among the groups gnomAD compares: African/African-American, 0.17%; no homozygotes.

Submissions (5):

Women's Health and Genetics/Laboratory Corporation of America, LabCorp
Classification: Likely benign. Last evaluated: 2026-01-27. Review status: criteria provided, single submitter. Criteria: LabCorp Variant Classification Summary - May 2015. Collection method: clinical testing. Allele origin: germline.

Labcorp Genetics (formerly Invitae), Labcorp
Classification: Likely benign for Nephronophthisis 15. Last evaluated: 2025-11-16. Review status: criteria provided, single submitter. Criteria: Invitae Variant Classification Sherloc (09022015). Collection method: clinical testing. Allele origin: germline.

Blueprint Genetics
Classification: Likely benign. Last evaluated: 2023-11-14. Review status: criteria provided, single submitter. Criteria: ACMG Guidelines, 2015. Collection method: clinical testing. Allele origin: germline.

Fulgent Genetics
Classification: Likely benign for Nephronophthisis 15. Last evaluated: 2021-09-28. Review status: criteria provided, single submitter. Criteria: ACMG Guidelines, 2015. Collection method: clinical testing. Allele origin: unknown.

PreventionGenetics, part of Exact Sciences
Classification: Likely benign for CEP164-related condition. Last evaluated: 2024-08-09. Review status: no assertion criteria provided. Collection method: clinical testing. Allele origin: germline. Not counted in ClinVar's aggregate classification.
Comment: This variant is classified as likely benign based on ACMG/AMP sequence variant interpretation guidelines (Richards et al. 2015 PMID: 25741868, with internal and published modifications).